The following is an entry in ClinVar:

NM_000051.4(ATM):c.7628A>G (p.Asn2543Ser)

Genes: ATM (ATM serine/threonine kinase; plus strand), C11orf65 (chromosome 11 open reading frame 65; minus strand). Cytogenetic location: 11q22.3.
Variant type: single nucleotide variant.
Coding change: c.7628A>G on transcript NM_000051.4 (MANE Select); coding-DNA position 7628, A replaced by G.
Protein change: p.Asn2543Ser; replaces asparagine 2543 with serine.
Molecular consequence: missense variant. On other transcripts: non-coding transcript variant (1), intron variant (2).
Genome position (GRCh38, 1-based): chr11:108,331,556, A>G. VCF-style: chr11-108331556-A-G. GRCh37 (hg19) VCF-style: chr11-108202283-A-G.
Other names: c.7628A>G, p.Asn2543Ser (NM_001351834.2); c.641-22485T>C (NM_001330368.2); c.*38+3664T>C (NM_001351110.2); short protein forms N2543S.
Identifiers: ClinVar variation 827159 (VCV000827159.7), dbSNP rs1591168151, ClinGen allele CA382560872.
Genomic context (GRCh38, chr11:108,331,556, plus strand): 5'-TGGCTGCTAGAATGGGGACCAAGATGATGGGAGGCCTAGGATTTCATGAAGTCCTCAATA[A>G]TGTAAGTAAACCTGAAAATCAAACCACAATAATTATTTTTATTCTATTATTACTATATAT-3'
Protein context (NP_000042.3, residues 2533-2553): GGLGFHEVLN[Asn2543Ser]LISRISMDHP

ClinVar aggregate classification (germline): Uncertain significance. Review status: criteria provided, multiple submitters, no conflicts (2 of 4 stars). 2 submissions from 2 submitters: Uncertain significance (2). Last evaluated 2025-06-24.

Conditions:
Hereditary cancer-predisposing syndrome. Also called: Tumor predisposition; Neoplastic Syndromes, Hereditary; Hereditary Cancer Syndrome; Hereditary neoplastic syndrome. Identifiers: Orphanet 140162, MedGen C0027672, MeSH D009386, MONDO:0015356.
Ataxia-telangiectasia syndrome (AT). Also called: ATAXIA-TELANGIECTASIA, COMPLEMENTATION GROUP A; ATAXIA-TELANGIECTASIA, FRESNO VARIANT; Ataxia-telangiectasia; Ataxia-telangiectasia, complementation group D; AT, COMPLEMENTATION GROUP C; Ataxia-telangiectasia, complementation group E. Identifiers: Orphanet 100, MedGen C0004135, MONDO:0008840, OMIM 208900.

Submissions (2):

Labcorp Genetics (formerly Invitae), Labcorp
Classification: Uncertain significance for Ataxia-telangiectasia syndrome. Last evaluated: 2025-06-24. Review status: criteria provided, single submitter. Criteria: Invitae Variant Classification Sherloc (09022015). Collection method: clinical testing. Allele origin: germline.
Comment: This sequence change replaces asparagine, which is neutral and polar, with serine, which is neutral and polar, at codon 2543 of the ATM protein (p.Asn2543Ser). This variant is not present in population databases (gnomAD no frequency). This variant has not been reported in the literature in individuals affected with ATM-related conditions. ClinVar contains an entry for this variant (Variation ID: 827159). An algorithm developed to predict the effect of missense changes on protein structure and function outputs the following: PolyPhen-2: "Benign". The serine amino acid residue is found in multiple mammalian species, which suggests that this missense change does not adversely affect protein function. In summary, the available evidence is currently insufficient to determine the role of this variant in disease. Therefore, it has been classified as a Variant of Uncertain Significance.

Ambry Genetics
Classification: Uncertain significance for Hereditary cancer-predisposing syndrome. Last evaluated: 2025-05-19. Review status: criteria provided, single submitter. Criteria: Ambry Variant Classification Scheme 2023. Collection method: clinical testing. Allele origin: germline.
Comment: The p.N2543S variant (also known as c.7628A>G), located in coding exon 50 of the ATM gene, results from an A to G substitution at nucleotide position 7628. The asparagine at codon 2543 is replaced by serine, an amino acid with highly similar properties. This amino acid position is well conserved in available vertebrate species. In addition, this alteration is predicted to be tolerated by in silico analysis. Since supporting evidence is limited at this time, the clinical significance of this alteration remains unclear.